The following is an entry in ClinVar:

NM_001164508.2(NEB):c.20192A>T (p.Asp6731Val)

Gene: NEB (nebulin; minus strand). Cytogenetic location: 2q23.3.
Variant type: single nucleotide variant.
Coding change: c.20192A>T on transcript NM_001164508.2 (MANE Select); coding-DNA position 20192, A replaced by T.
Protein change: p.Asp6731Val; replaces aspartic acid 6731 with valine.
Molecular consequence: missense variant.
Genome position (GRCh38, 1-based): chr2:151,547,704, T>A on the plus strand (A>T on the coding strand, the complement: NEB is on the minus strand). VCF-style: chr2-151547704-T-A. GRCh37 (hg19) VCF-style: chr2-152404218-T-A.
Other names: c.20192A>T, p.Asp6731Val (NM_001164507.2, NM_001271208.2); c.15089A>T, p.Asp5030Val (NM_004543.5); short protein forms D6731V, D5030V.
Identifiers: ClinVar variation 129721 (VCV000129721.25), dbSNP rs2288200, ClinGen allele CA153923.

ClinVar aggregate classification (germline): Benign. Review status: criteria provided, multiple submitters, no conflicts (2 of 4 stars). 8 submissions from 8 submitters: Benign (7). 1 of the submissions does not count toward it. Last evaluated 2026-02-04.

Conditions:
Nemaline myopathy 2 (NEM2). Also called: Nemaline myopathy 2, autosomal recessive. Identifiers: MedGen C1850569, MONDO:0009725, OMIM 256030.

Allele frequency attached by ClinVar (database versions not stated): 1000 Genomes Project 0.08826; gnomAD 0.04472 and 0.04316; TOPMed 0.04859; 1000 Genomes Project 30x 0.08807; gnomAD exomes 0.01343 and 0.03052; ExAC 0.03449; ESP Exome Variant Server 0.03911.
gnomAD v4.1: 27,229 of 1,613,510 alleles (1.7%); highest among the groups gnomAD compares: East Asian, 14%; 1,437 homozygotes.

Submissions (8):

Labcorp Genetics (formerly Invitae), Labcorp
Classification: Benign for Nemaline myopathy 2. Last evaluated: 2026-02-04. Review status: criteria provided, single submitter. Criteria: Invitae Variant Classification Sherloc (09022015). Collection method: clinical testing. Allele origin: germline.

Illumina Laboratory Services, Illumina
Classification: Benign for Nemaline myopathy 2. Last evaluated: 2018-01-13. Review status: criteria provided, single submitter. Criteria: ICSL Variant Classification Criteria 13 December 2019. Collection method: clinical testing. Allele origin: germline.
Comment: This variant was observed in the ICSL laboratory as part of a predisposition screen in an ostensibly healthy population. It had not been previously curated by ICSL or reported in the Human Gene Mutation Database (HGMD: prior to June 1st, 2018), and was therefore a candidate for classification through an automated scoring system. Utilizing variant allele frequency, disease prevalence and penetrance estimates, and inheritance mode, an automated score was calculated to assess if this variant is too frequent to cause the disease. Based on the score and internal cut-off values, a variant classified as benign is not then subjected to further curation. The score for this variant resulted in a classification of benign for this disease.

Mayo Clinic Laboratories, Mayo Clinic
Classification: Benign. Last evaluated: 2017-07-20. Review status: criteria provided, single submitter. Criteria: ACMG Guidelines, 2015. Collection method: clinical testing. Allele origin: germline. Observed: 23 variant alleles.

GeneDx
Classification: Benign. Last evaluated: 2016-03-14. Review status: criteria provided, single submitter. Criteria: GeneDx Variant Classification (06012015). Collection method: clinical testing. Allele origin: germline. Affected: yes.
Comment: This variant is considered likely benign or benign based on one or more of the following criteria: it is a conservative change, it occurs at a poorly conserved position in the protein, it is predicted to be benign by multiple in silico algorithms, and/or has population frequency not consistent with disease.

PreventionGenetics, part of Exact Sciences
Classification: Benign. Last evaluated: 2016-03-04. Review status: criteria provided, single submitter. Criteria: ACMG Guidelines, 2015. Collection method: clinical testing. Allele origin: germline.

Laboratory for Molecular Medicine, Mass General Brigham Personalized Medicine
Classification: Benign. Last evaluated: 2014-11-26. Review status: criteria provided, single submitter. Criteria: LMM Criteria. Collection method: clinical testing. Allele origin: germline. Observed: 1 variant allele.
Comment: p.Asp6731Val in exon 132 of NEB: This variant is not expected to have clinical s ignificance because it has been identified in 11.8% (446/3794) of African Americ an chromosomes by the NHLBI Exome Sequencing Project (du/EVS/; dbSNP rs2288200).

Breakthrough Genomics
Classification: Benign. Review status: criteria provided, single submitter. Criteria: ACMG Guidelines, 2015. Collection method: not provided. Allele origin: germline. Inheritance: Autosomal recessive inheritance. Affected: yes.

Genetic Services Laboratory, University of Chicago
Classification: Likely benign for AllHighlyPenetrant. Review status: no assertion criteria provided. Collection method: clinical testing. Allele origin: germline. Inheritance: Autosomal recessive inheritance. Not counted in ClinVar's aggregate classification.
Comment: Likely benign based on allele frequency in 1000 Genomes Project or ESP global frequency and its presence in a patient with a rare or unrelated disease phenotype. NOT Sanger confirmed.